The following is an entry in ClinVar:

NM_001374353.1(GLI2):c.2177C>T (p.Ser726Phe)

Gene: GLI2 (GLI family zinc finger 2; plus strand). Cytogenetic location: 2q14.2.
Variant type: single nucleotide variant.
Coding change: c.2177C>T on transcript NM_001374353.1 (MANE Select); coding-DNA position 2177, C replaced by T.
Protein change: p.Ser726Phe; replaces serine 726 with phenylalanine.
Molecular consequence: missense variant.
Genome position (GRCh38, 1-based): chr2:120,986,549, C>T. VCF-style: chr2-120986549-C-T. GRCh37 (hg19) VCF-style: chr2-121744125-C-T.
Other names: c.2228C>T, p.Ser743Phe (NM_001371271.1, NM_005270.5); c.1802C>T, p.Ser601Phe (NM_001374354.1); short protein forms S601F, S726F, S743F.
Identifiers: ClinVar variation 2043085 (VCV002043085.4), dbSNP rs1181480957, ClinGen allele CA348164442.

ClinVar aggregate classification (germline): Uncertain significance (1 of 4 stars; one submission).

Conditions:
Postaxial polydactyly-anterior pituitary anomalies-facial dysmorphism syndrome. Also called: Culler-Jones syndrome. Identifiers: Orphanet 420584, MedGen C4014479, MONDO:0014369, OMIM 615849.
Holoprosencephaly 9 (HPE9). Also called: HOLOPROSENCEPHALY WITH MICROPHTHALMIA AND FIRST BRANCHIAL ARCH ANOMALIES; PITUITARY ANOMALIES WITH HOLOPROSENCEPHALY-LIKE FEATURES. Identifiers: Orphanet 2162, MedGen C1835819, MONDO:0012563, OMIM 610829.

Allele frequency attached by ClinVar (database versions not stated): TOPMed below 0.00001; gnomAD 0.00002.
gnomAD v4.1: 7 of 1,614,046 alleles (0.00043%); highest among the groups gnomAD compares: Admixed American, 0.012%; no homozygotes.

Submission:

Labcorp Genetics (formerly Invitae), Labcorp
Classification: Uncertain significance for Postaxial polydactyly-anterior pituitary anomalies-facial dysmorphism syndrome; Holoprosencephaly 9. Last evaluated: 2025-02-10. Review status: criteria provided, single submitter. Criteria: Invitae Variant Classification Sherloc (09022015). Collection method: clinical testing. Allele origin: germline.
Comment: This sequence change replaces serine, which is neutral and polar, with phenylalanine, which is neutral and non-polar, at codon 743 of the GLI2 protein (p.Ser743Phe). This variant is present in population databases (no rsID available, gnomAD 0.003%). This variant has not been reported in the literature in individuals affected with GLI2-related conditions. ClinVar contains an entry for this variant (Variation ID: 2043085). Invitae Evidence Modeling of protein sequence and biophysical properties (such as structural, functional, and spatial information, amino acid conservation, physicochemical variation, residue mobility, and thermodynamic stability) indicates that this missense variant is not expected to disrupt GLI2 protein function with a negative predictive value of 80%. In summary, the available evidence is currently insufficient to determine the role of this variant in disease. Therefore, it has been classified as a Variant of Uncertain Significance.